The following is an entry in ClinVar:

NM_001291415.2(KDM6A):c.1570C>T (p.Gln524Ter)

Gene: KDM6A (lysine demethylase 6A; plus strand). Cytogenetic location: Xp11.3.
Variant type: single nucleotide variant.
Coding change: c.1570C>T on transcript NM_001291415.2 (MANE Select); coding-DNA position 1570, C replaced by T.
Protein change: p.Gln524Ter; replaces glutamine 524 with a stop codon.
Molecular consequence: nonsense. On other transcripts: non-coding transcript variant (1).
Genome position (GRCh38, 1-based): chrX:45,061,408, C>T. VCF-style: chrX-45061408-C-T. GRCh37 (hg19) VCF-style: chrX-44920653-C-T.
Other names: c.1435C>T, p.Gln479Ter (NM_001291416.2, NM_001419811.1); c.1279C>T, p.Gln427Ter (NM_001291417.2, NM_001291418.2, NM_001419815.1); c.526C>T, p.Gln176Ter (NM_001291421.2); c.1414C>T, p.Gln472Ter (NM_001410742.1, NM_001419812.1, NM_001419814.1 and 1 more transcripts); c.1570C>T, p.Gln524Ter (NM_001419809.1, NM_001419810.1, NM_001419813.1); short protein forms Q176*, Q427*, Q472*, Q479*, Q524*.
Identifiers: ClinVar variation 3776025 (VCV003776025.1).
Genomic context (GRCh38, chrX:45,061,408, plus strand): 5'-GGACATGCTGTGTCACATCCTCCAGTACAGCAACAAGCTCATTCATGGTGTTTGACACCA[C>T]AGAAATTACAGGTATGTAAGATGTTTTTGACAAATTGTTTATTAAAAAGGAGTAGAGGTA-3'

ClinVar aggregate classification (germline): Likely pathogenic (1 of 4 stars; one submission).

Conditions:
Kabuki syndrome 2 (KABUK2). Also called: KDM6A-Related Kabuki Syndrome. Identifiers: Orphanet 2322, MedGen C3275495, MONDO:0010465, OMIM 300867.

Submission:

3billion
Classification: Likely pathogenic for Kabuki syndrome 2. Last evaluated: 2023-06-01. Review status: criteria provided, single submitter. Criteria: ACMG Guidelines, 2015. Collection method: clinical testing. Allele origin: germline. Affected: yes.
Comment: The variant is not observed in the gnomAD v2.1.1 dataset. Predicted Consequence/Location: Stop-gained (nonsense): predicted to result in a loss or disruption of normal protein function through nonsense-mediated decay (NMD) or protein truncation. Multiple pathogenic variants are reported downstream of the variant. Therefore, this variant is classified as Likely pathogenic according to the recommendation of ACMG/AMP guideline.